The following is an entry in ClinVar:

ClinVar aggregate classification (germline): Benign (1 of 4 stars; one submission).

Allele frequency attached by ClinVar (database versions not stated): 1000 Genomes Project 30x 0.20191; TOPMed 0.20300; gnomAD 0.20658 and 0.20732; 1000 Genomes Project 0.20827.
gnomAD v4.1: 31,653 of 152,094 alleles (21%); highest among the groups gnomAD compares: East Asian, 45%; 3,867 homozygotes.

Submission:

GeneDx
Classification: Benign. Last evaluated: 2018-06-14. Review status: criteria provided, single submitter. Criteria: GeneDx Variant Classification (06012015). Collection method: clinical testing. Allele origin: germline. Affected: yes.
Comment: This variant is considered likely benign or benign based on one or more of the following criteria: it is a conservative change, it occurs at a poorly conserved position in the protein, it is predicted to be benign by multiple in silico algorithms, and/or has population frequency not consistent with disease.

NM_007347.5(AP4E1):c.2346+304C>T

Gene: AP4E1 (adaptor related protein complex 4 subunit epsilon 1; plus strand). Cytogenetic location: 15q21.2.
Variant type: single nucleotide variant.
Coding change: c.2346+304C>T on transcript NM_007347.5 (MANE Select); 304 bases into the intron after coding-DNA position 2346, C replaced by T.
Molecular consequence: intron variant.
Genome position (GRCh38, 1-based): chr15:50,993,929, C>T. VCF-style: chr15-50993929-C-T. GRCh37 (hg19) VCF-style: chr15-51286126-C-T.
Other names: c.2121+304C>T (NM_001252127.2).
Identifiers: ClinVar variation 669998 (VCV000669998.1), dbSNP rs17646917, ClinGen allele CA15841485.